The following is an entry in ClinVar:

NM_001371986.1(UNC80):c.5127C>T (p.Asn1709=)

Genes: UNC80 (unc-80 subunit of NALCN channel complex; plus strand), LOC126806490 (P300/CBP strongly-dependent group 1 enhancer GRCh37_chr2:210782411-210783610; plus strand). Cytogenetic location: 2q34.
Variant type: single nucleotide variant.
Coding change: c.5127C>T on transcript NM_001371986.1 (MANE Select); coding-DNA position 5127, C replaced by T.
Protein change: p.Asn1709=; no amino-acid change (asparagine 1709 retained).
Molecular consequence: synonymous variant.
Genome position (GRCh38, 1-based): chr2:209,917,874, C>T. VCF-style: chr2-209917874-C-T. GRCh37 (hg19) VCF-style: chr2-210782598-C-T.
Other names: c.4929C>T, p.Asn1643= (NM_032504.2); c.4914C>T, p.Asn1638= (NM_182587.4).
Identifiers: ClinVar variation 738186 (VCV000738186.37), dbSNP rs61744394, ClinGen allele CA2083255.

ClinVar aggregate classification (germline): Benign/Likely benign. Review status: criteria provided, multiple submitters, no conflicts (2 of 4 stars). 5 submissions from 5 submitters: Benign (1); Likely benign (3). 1 of the submissions does not count toward it. Last evaluated 2026-01-26.

Conditions:
UNC80-related disorder. Also called: UNC80-related condition.
Hypotonia, infantile, with psychomotor retardation and characteristic facies 2 (IHPRF2). Also called: UNC80 Deficiency. Identifiers: Orphanet 371364, Orphanet 700333, MedGen C4225203, MONDO:0014777, OMIM 616801.

Allele frequency attached by ClinVar (database versions not stated): gnomAD exomes 0.00016 and 0.00030; ExAC 0.00058; gnomAD 0.00116 and 0.00128; TOPMed 0.00126; ESP Exome Variant Server 0.00131; 1000 Genomes Project 30x 0.00172; 1000 Genomes Project 0.00180.
gnomAD v4.1: 417 of 1,551,932 alleles (0.027%); highest among the groups gnomAD compares: African/African-American, 0.39%; no homozygotes.

Submissions (5):

Labcorp Genetics (formerly Invitae), Labcorp
Classification: Likely benign. Last evaluated: 2026-01-26. Review status: criteria provided, single submitter. Criteria: Invitae Variant Classification Sherloc (09022015). Collection method: clinical testing. Allele origin: germline.

CeGaT Center for Human Genetics Tuebingen
Classification: Likely benign. Last evaluated: 2025-07-01. Review status: criteria provided, single submitter. Criteria: CeGaT Center For Human Genetics Tuebingen Variant Classification Criteria Version 2. Collection method: clinical testing. Allele origin: germline. Affected: yes. Observed: 2 variant alleles.
Comment: UNC80: BP4, BP7

ARUP Laboratories, Molecular Genetics and Genomics, ARUP Laboratories
Classification: Benign for Hypotonia, infantile, with psychomotor retardation and characteristic facies 2. Last evaluated: 2024-11-14. Review status: criteria provided, single submitter. Criteria: ARUP Molecular Germline Variant Investigation Process 2024. Collection method: clinical testing. Allele origin: germline.

Blueprint Genetics
Classification: Likely benign. Last evaluated: 2024-07-18. Review status: criteria provided, single submitter. Criteria: ACMG Guidelines, 2015. Collection method: clinical testing. Allele origin: germline.

PreventionGenetics, part of Exact Sciences
Classification: Likely benign for UNC80-related condition. Last evaluated: 2021-03-04. Review status: no assertion criteria provided. Collection method: clinical testing. Allele origin: germline. Not counted in ClinVar's aggregate classification.
Comment: This variant is classified as likely benign based on ACMG/AMP sequence variant interpretation guidelines (Richards et al. 2015 PMID: 25741868, with internal and published modifications).